The following is an entry in ClinVar:

NM_016151.4(TAOK2):c.2709AGA[1] (p.Glu907del)

Gene: TAOK2 (TAO kinase 2; plus strand). Cytogenetic location: 16p11.2.
Variant type: Microsatellite.
Coding change: c.2709AGA[1] on transcript NM_016151.4 (MANE Select); one copy of the 3-base unit AGA starting at c.2709; the reference has two copies in a row; one copy, 3 bases deleted.
Protein change: p.Glu907del; deletes glutamic acid 907.
Molecular consequence: inframe deletion. On other transcripts: intron variant (1).
Genome position (GRCh38, 1-based): chr16:29,986,984-29,986,986, AGA deleted; deleting any 3 consecutive bases within chr16:29,986,979-29,986,986 gives the same sequence; the position shown is the placement nearest the transcript's 3' end. VCF-style (leftmost placement, unchanged base first): chr16-29986978-GGAA-G. GRCh37 (hg19) VCF-style: chr16-29998299-GGAA-G.
Other names: c.2370AGA[1], p.Glu794del (NM_001252043.2); c.2232+480_2232+482del (NM_004783.4); short protein forms E794del, E907del.
Identifiers: ClinVar variation 2421396 (VCV002421396.6), dbSNP rs762399487, ClinGen allele CA2216357611.
Genomic context (GRCh38, chr16:29,986,978, plus strand): 5'-TGAGGAGTTTGAGCTTGGCTGGGTCCAGGGCCCAGCACTGACTCCCGTCCCTGAGGAGGA[GGAA>G]GAAGAGGAAGAGGGGGCTCCGATTGGGACCCCTAGGGATCCTGGAGATGGTTGTCCTTCC-3'

ClinVar aggregate classification (germline): Uncertain significance (1 of 4 stars; one submission).

Submission:

Labcorp Genetics (formerly Invitae), Labcorp
Classification: Uncertain significance. Last evaluated: 2021-12-20. Review status: criteria provided, single submitter. Criteria: Invitae Variant Classification Sherloc (09022015). Collection method: clinical testing. Allele origin: germline.
Comment: This variant, c.2712_2714del, results in the deletion of 1 amino acid(s) of the TAOK2 protein (p.Glu907del), but otherwise preserves the integrity of the reading frame. In summary, the available evidence is currently insufficient to determine the role of this variant in disease. Therefore, it has been classified as a Variant of Uncertain Significance. Experimental studies and prediction algorithms are not available or were not evaluated, and the functional significance of this variant is currently unknown. This variant has not been reported in the literature in individuals affected with TAOK2-related conditions. This variant is not present in population databases (gnomAD no frequency).